The following is an entry in ClinVar:

ClinVar aggregate classification (germline): Uncertain significance (1 of 4 stars; one submission).

Conditions:
Idiopathic generalized epilepsy. Also called: Generalised epilepsy; EIG. Identifiers: MedGen C0270850, MONDO:0005579, OMIM 600669.

Allele frequency attached by ClinVar (database versions not stated): gnomAD exomes below 0.00001; ExAC 0.00001; gnomAD 0.00001.
gnomAD v4.1: 7 of 1,607,202 alleles (0.00044%); highest among the groups gnomAD compares: East Asian, 0.0045%; no homozygotes.

Submissions (2):

Labcorp Genetics (formerly Invitae), Labcorp
Classification: Uncertain significance for Idiopathic generalized epilepsy. Last evaluated: 2024-10-29. Review status: criteria provided, single submitter. Criteria: Invitae Variant Classification Sherloc (09022015). Collection method: clinical testing. Allele origin: germline.
Comment: This sequence change falls in intron 5 of the GABRD gene. It does not directly change the encoded amino acid sequence of the GABRD protein. The frequency data for this variant in the population databases is considered unreliable, as metrics indicate poor data quality at this position in the gnomAD database. This variant has not been reported in the literature in individuals affected with GABRD-related conditions. ClinVar contains an entry for this variant (Variation ID: 1916029). Algorithms developed to predict the effect of sequence changes on RNA splicing suggest that this variant may disrupt the consensus splice site. In summary, the available evidence is currently insufficient to determine the role of this variant in disease. Therefore, it has been classified as a Variant of Uncertain Significance.

Dr. Peter K. Rogan Lab, Western University
No classification provided (evidence only). Condition: Familial pancreatic carcinoma. Review status: no classification provided. Collection method: in vitro. Allele origin: not applicable. Functional consequence: retained intron. Not counted in ClinVar's aggregate classification.

NM_000815.5(GABRD):c.553+20G>A

Gene: GABRD (gamma-aminobutyric acid type A receptor subunit delta; plus strand). Cytogenetic location: 1p36.33.
Variant type: single nucleotide variant.
Coding change: c.553+20G>A on transcript NM_000815.5 (MANE Select); 20 bases into the intron after coding-DNA position 553, G replaced by A.
Molecular consequence: intron variant.
Genome position (GRCh38, 1-based): chr1:2,027,679, G>A. VCF-style: chr1-2027679-G-A. GRCh37 (hg19) VCF-style: chr1-1959118-G-A.
Identifiers: ClinVar variation 1916029 (VCV001916029.6), dbSNP rs763656458, ClinGen allele CA534692.